The following is an entry in ClinVar:

ClinVar aggregate classification (germline): Uncertain significance (1 of 4 stars; one submission).

Submission:

CeGaT Center for Human Genetics Tuebingen
Classification: Uncertain significance. Last evaluated: 2023-11-01. Review status: criteria provided, single submitter. Criteria: CeGaT Center For Human Genetics Tuebingen Variant Classification Criteria Version 2. Collection method: clinical testing. Allele origin: germline. Affected: yes. Observed: 1 variant allele.
Comment: ARID2: PM2, PP2

NM_152641.4(ARID2):c.1065G>A (p.Met355Ile)

Gene: ARID2 (AT-rich interaction domain 2; plus strand). Cytogenetic location: 12q12.
Variant type: single nucleotide variant.
Coding change: c.1065G>A on transcript NM_152641.4 (MANE Select); coding-DNA position 1065, G replaced by A.
Protein change: p.Met355Ile; replaces methionine 355 with isoleucine.
Molecular consequence: missense variant.
Genome position (GRCh38, 1-based): chr12:45,837,362, G>A. VCF-style: chr12-45837362-G-A. GRCh37 (hg19) VCF-style: chr12-46231145-G-A.
Other names: c.1065G>A, p.Met355Ile (NM_001347839.2); short protein forms M355I.
Identifiers: ClinVar variation 2672496 (VCV002672496.23), dbSNP rs2138130396, ClinGen allele CA384454083.